The following is an entry in ClinVar:

NM_152490.5(B3GALNT2):c.134A>G (p.Gln45Arg)

Gene: B3GALNT2 (beta-1,3-N-acetylgalactosaminyltransferase 2; minus strand). Cytogenetic location: 1q42.3.
Variant type: single nucleotide variant.
Coding change: c.134A>G on transcript NM_152490.5 (MANE Select); coding-DNA position 134, A replaced by G.
Protein change: p.Gln45Arg; replaces glutamine 45 with arginine.
Molecular consequence: missense variant.
Genome position (GRCh38, 1-based): chr1:235,494,807, T>C on the plus strand (A>G on the coding strand, the complement: B3GALNT2 is on the minus strand). VCF-style: chr1-235494807-T-C. GRCh37 (hg19) VCF-style: chr1-235658117-T-C.
Other names: c.257A>G, p.Gln86Arg (NM_001277155.3); short protein forms Q86R, Q45R.
Identifiers: ClinVar variation 1518323 (VCV001518323.4), dbSNP rs760940955, ClinGen allele CA1465001.

ClinVar aggregate classification (germline): Uncertain significance (1 of 4 stars; one submission).

Conditions:
Muscular dystrophy-dystroglycanopathy (congenital with brain and eye anomalies), type a, 11 (MDDGA11). Also called: WALKER-WARBURG SYNDROME OR MUSCLE-EYE-BRAIN DISEASE, B3GALNT2-RELATED; Congenital muscular dystrophy-dystroglycanopathy with brain and eye anomalies, type A11; Muscular dystrophy-dystroglycanopathy (congenital with brain and eye anomalies, type A, 11. Identifiers: Orphanet 588, Orphanet 899, MedGen C3554638, MONDO:0014071, OMIM 615181.

Allele frequency attached by ClinVar (database versions not stated): ExAC 0.00001; gnomAD 0.00002; gnomAD exomes 0.00001; TOPMed 0.00001.
gnomAD v4.1: 15 of 1,610,030 alleles (0.00093%); highest among the groups gnomAD compares: Non-Finnish European, 0.0013%; no homozygotes.

Submission:

Labcorp Genetics (formerly Invitae), Labcorp
Classification: Uncertain significance for Muscular dystrophy-dystroglycanopathy (congenital with brain and eye anomalies), type a, 11. Last evaluated: 2023-12-07. Review status: criteria provided, single submitter. Criteria: Invitae Variant Classification Sherloc (09022015). Collection method: clinical testing. Allele origin: germline.
Comment: This sequence change replaces glutamine, which is neutral and polar, with arginine, which is basic and polar, at codon 45 of the B3GALNT2 protein (p.Gln45Arg). This variant is present in population databases (rs760940955, gnomAD 0.002%). This variant has not been reported in the literature in individuals affected with B3GALNT2-related conditions. ClinVar contains an entry for this variant (Variation ID: 1518323). Advanced modeling of protein sequence and biophysical properties (such as structural, functional, and spatial information, amino acid conservation, physicochemical variation, residue mobility, and thermodynamic stability) performed at Invitae indicates that this missense variant is not expected to disrupt B3GALNT2 protein function with a negative predictive value of 80%. In summary, the available evidence is currently insufficient to determine the role of this variant in disease. Therefore, it has been classified as a Variant of Uncertain Significance.